The following is an entry in ClinVar:

NM_006859.4(LIAS):c.802G>A (p.Val268Ile)

Gene: LIAS (lipoic acid synthetase; plus strand). Cytogenetic location: 4p14.
Variant type: single nucleotide variant.
Coding change: c.802G>A on transcript NM_006859.4 (MANE Select); coding-DNA position 802, G replaced by A.
Protein change: p.Val268Ile; replaces valine 268 with isoleucine.
Molecular consequence: missense variant.
Genome position (GRCh38, 1-based): chr4:39,470,083, G>A. VCF-style: chr4-39470083-G-A. GRCh37 (hg19) VCF-style: chr4-39471703-G-A.
Other names: c.673G>A, p.Val225Ile (NM_001278590.2); c.493G>A, p.Val165Ile (NM_001363700.2); c.802G>A, p.Val268Ile (NM_194451.3); short protein forms V165I, V268I, V225I.
Identifiers: ClinVar variation 1478138 (VCV001478138.8), dbSNP rs371831096, ClinGen allele CA356665258.

ClinVar aggregate classification (germline): Uncertain significance (1 of 4 stars; one submission).

Conditions:
Lipoic acid synthetase deficiency. Also called: HYPERGLYCINEMIA, LACTIC ACIDOSIS, AND SEIZURES. Identifiers: Orphanet 401859, MedGen C3280887, MONDO:0013762, OMIM 614462.

Submission:

Labcorp Genetics (formerly Invitae), Labcorp
Classification: Uncertain significance for Lipoic acid synthetase deficiency. Last evaluated: 2023-10-03. Review status: criteria provided, single submitter. Criteria: Invitae Variant Classification Sherloc (09022015). Collection method: clinical testing. Allele origin: germline.
Comment: This sequence change replaces valine, which is neutral and non-polar, with isoleucine, which is neutral and non-polar, at codon 268 of the LIAS protein (p.Val268Ile). This variant is not present in population databases (gnomAD no frequency). This variant has not been reported in the literature in individuals affected with LIAS-related conditions. ClinVar contains an entry for this variant (Variation ID: 1478138). Advanced modeling of protein sequence and biophysical properties (such as structural, functional, and spatial information, amino acid conservation, physicochemical variation, residue mobility, and thermodynamic stability) performed at Invitae indicates that this missense variant is not expected to disrupt LIAS protein function. In summary, the available evidence is currently insufficient to determine the role of this variant in disease. Therefore, it has been classified as a Variant of Uncertain Significance.